The following is an entry in ClinVar:

ClinVar aggregate classification (germline): Uncertain significance (1 of 4 stars; one submission).

gnomAD v4.1: 3 of 1,613,748 alleles (0.00019%); highest among the groups gnomAD compares: African/African-American, 0.0013%; no homozygotes.

Submission:

GeneDx
Classification: Uncertain significance. Last evaluated: 2024-10-01. Review status: criteria provided, single submitter. Criteria: GeneDx Variant Classification Process June 2021. Collection method: clinical testing. Allele origin: germline. Affected: yes.
Comment: In silico analysis indicates that this missense variant does not alter protein structure/function; Has not been previously published as pathogenic or benign to our knowledge

NM_000398.7(CYB5R3):c.550A>G (p.Ile184Val)

Gene: CYB5R3 (cytochrome b5 reductase 3; minus strand). Cytogenetic location: 22q13.2.
Variant type: single nucleotide variant.
Coding change: c.550A>G on transcript NM_000398.7 (MANE Select); coding-DNA position 550, A replaced by G.
Protein change: p.Ile184Val; replaces isoleucine 184 with valine.
Molecular consequence: missense variant.
Genome position (GRCh38, 1-based): chr22:42,627,387, T>C on the plus strand (A>G on the coding strand, the complement: CYB5R3 is on the minus strand). VCF-style: chr22-42627387-T-C. GRCh37 (hg19) VCF-style: chr22-43023393-T-C.
Other names: c.481A>G, p.Ile161Val (NM_001129819.2, NM_001171661.1, NM_007326.4); c.649A>G, p.Ile217Val (NM_001171660.2); short protein forms I161V, I184V, I217V.
Identifiers: ClinVar variation 3776460 (VCV003776460.1).